The following is an entry in ClinVar:

NM_001077350.3(NPRL3):c.188+5A>G

Genes: HBA-LCR (alpha-globin locus control region; plus strand), NPRL3 (NPR3 like, GATOR1 complex subunit; minus strand). Cytogenetic location: 16p13.3.
Variant type: single nucleotide variant.
Coding change: c.188+5A>G on transcript NM_001077350.3 (MANE Select); 5 bases into the intron after coding-DNA position 188, A replaced by G.
Molecular consequence: intron variant.
Genome position (GRCh38, 1-based): chr16:130,517, T>C on the plus strand (A>G on the coding strand, the complement: NPRL3 is on the minus strand). VCF-style: chr16-130517-T-C. GRCh37 (hg19) VCF-style: chr16-180516-T-C.
Other names: c.-184+5A>G (NM_001243247.2); c.188+5A>G (NM_001243248.2, NM_001243249.2); c.-145+5A>G (NM_001039476.3).
Identifiers: ClinVar variation 2737984 (VCV002737984.3), dbSNP rs777249248, ClinGen allele CA276422773.

ClinVar aggregate classification (germline): Uncertain significance (1 of 4 stars; one submission).

Conditions:
Epilepsy, familial focal, with variable foci 3 (FFEVF3). Identifiers: MedGen C4310708, MONDO:0014925, OMIM 617118.

Allele frequency attached by ClinVar (database versions not stated): TOPMed 0.00001; gnomAD 0.00001.
gnomAD v4.1: 16 of 1,550,352 alleles (0.001%); highest among the groups gnomAD compares: Non-Finnish European, 0.0014%; no homozygotes.

Submission:

Labcorp Genetics (formerly Invitae), Labcorp
Classification: Uncertain significance for Epilepsy, familial focal, with variable foci 3. Last evaluated: 2025-09-27. Review status: criteria provided, single submitter. Criteria: Invitae Variant Classification Sherloc (09022015). Collection method: clinical testing. Allele origin: germline.
Comment: This sequence change falls in intron 3 of the NPRL3 gene. It does not directly change the encoded amino acid sequence of the NPRL3 protein. It affects a nucleotide within the consensus splice site. This variant is not present in population databases (gnomAD no frequency). This variant has not been reported in the literature in individuals affected with NPRL3-related conditions. ClinVar contains an entry for this variant (Variation ID: 2737984). Variants that disrupt the consensus splice site are a relatively common cause of aberrant splicing (PMID: 17576681, 9536098). Algorithms developed to predict the effect of sequence changes on RNA splicing suggest that this variant is not likely to affect RNA splicing. In summary, the available evidence is currently insufficient to determine the role of this variant in disease. Therefore, it has been classified as a Variant of Uncertain Significance.

Literature cited by the submitters: PubMed 17576681; PubMed 9536098.